The following is an entry in ClinVar:

ClinVar aggregate classification (germline): Uncertain significance (1 of 4 stars; one submission).

Conditions:
Familial cold autoinflammatory syndrome 2 (FCAS2). Identifiers: Orphanet 247868, MedGen C2673198, MONDO:0012724, OMIM 611762.

Allele frequency attached by ClinVar (database versions not stated): gnomAD exomes 0.00001.
gnomAD v4.1: 4 of 1,614,148 alleles (0.00025%); highest among the groups gnomAD compares: Non-Finnish European, 0.00034%; no homozygotes.

Submission:

Labcorp Genetics (formerly Invitae), Labcorp
Classification: Uncertain significance for Familial cold autoinflammatory syndrome 2. Last evaluated: 2022-09-19. Review status: criteria provided, single submitter. Criteria: Invitae Variant Classification Sherloc (09022015). Collection method: clinical testing. Allele origin: germline.
Comment: In summary, the available evidence is currently insufficient to determine the role of this variant in disease. Therefore, it has been classified as a Variant of Uncertain Significance. Algorithms developed to predict the effect of missense changes on protein structure and function are either unavailable or do not agree on the potential impact of this missense change (SIFT: "Tolerated"; PolyPhen-2: "Possibly Damaging"; Align-GVGD: "Class C0"). ClinVar contains an entry for this variant (Variation ID: 1359264). This variant has not been reported in the literature in individuals affected with NLRP12-related conditions. This variant is not present in population databases (gnomAD no frequency). This sequence change replaces leucine, which is neutral and non-polar, with phenylalanine, which is neutral and non-polar, at codon 842 of the NLRP12 protein (p.Leu842Phe).

NM_144687.4(NLRP12):c.2526G>C (p.Leu842Phe)

Gene: NLRP12 (NLR family pyrin domain containing 12; minus strand). Cytogenetic location: 19q13.42.
Variant type: single nucleotide variant.
Coding change: c.2526G>C on transcript NM_144687.4 (MANE Select); coding-DNA position 2526, G replaced by C.
Protein change: p.Leu842Phe; replaces leucine 842 with phenylalanine.
Molecular consequence: missense variant.
Genome position (GRCh38, 1-based): chr19:53,804,011, C>G on the plus strand (G>C on the coding strand, the complement: NLRP12 is on the minus strand). VCF-style: chr19-53804011-C-G. GRCh37 (hg19) VCF-style: chr19-54307265-C-G.
Other names: c.2529G>C, p.Leu843Phe (NM_001277126.2); c.2526G>C, p.Leu842Phe (NM_001277129.1); short protein forms L843F, L842F.
Identifiers: ClinVar variation 1359264 (VCV001359264.8), dbSNP rs2122592653, ClinGen allele CA407409425.
Genomic context (GRCh38, chr19:53,804,011, plus strand): 5'-CCACAAAGTCCGTAGTCTGCAGACTGGGTGCCTCAGTCCCTGGCATAGTAACCTCAGGCC[C>G]AAATCCTCCAGTGCATTTCCTGTCAGGTCCAACTCAACCAGATGTGGGTTGGTGCCGAGC-3'
Protein context (NP_653288.1, residues 832-852): LDLTGNALED[Leu842Phe]GLRLLCQGLR